The following is an entry in ClinVar:

ClinVar aggregate classification (germline): Uncertain significance (1 of 4 stars; one submission).

gnomAD v4.1: 1 of 1,613,590 alleles (0.000062%); no homozygotes.

Submission:

Labcorp Genetics (formerly Invitae), Labcorp
Classification: Uncertain significance. Last evaluated: 2022-05-21. Review status: criteria provided, single submitter. Criteria: Invitae Variant Classification Sherloc (09022015). Collection method: clinical testing. Allele origin: germline.
Comment: In summary, the available evidence is currently insufficient to determine the role of this variant in disease. Therefore, it has been classified as a Variant of Uncertain Significance. Advanced modeling of protein sequence and biophysical properties (such as structural, functional, and spatial information, amino acid conservation, physicochemical variation, residue mobility, and thermodynamic stability) performed at Invitae indicates that this missense variant is expected to disrupt PNPT1 protein function. This variant has not been reported in the literature in individuals affected with PNPT1-related conditions. This variant is not present in population databases (gnomAD no frequency). This sequence change replaces proline, which is neutral and non-polar, with glutamine, which is neutral and polar, at codon 143 of the PNPT1 protein (p.Pro143Gln).

NM_033109.5(PNPT1):c.428C>A (p.Pro143Gln)

Gene: PNPT1 (polyribonucleotide nucleotidyltransferase 1; minus strand). Cytogenetic location: 2p16.1.
Variant type: single nucleotide variant.
Coding change: c.428C>A on transcript NM_033109.5 (MANE Select); coding-DNA position 428, C replaced by A.
Protein change: p.Pro143Gln; replaces proline 143 with glutamine.
Molecular consequence: missense variant.
Genome position (GRCh38, 1-based): chr2:55,683,810, G>T on the plus strand (C>A on the coding strand, the complement: PNPT1 is on the minus strand). VCF-style: chr2-55683810-G-T. GRCh37 (hg19) VCF-style: chr2-55910945-G-T.
Other names: short protein forms P143Q.
Identifiers: ClinVar variation 1921727 (VCV001921727.5), dbSNP rs948689653, ClinGen allele CA47665764.
Genomic context (GRCh38, chr2:55,683,810, plus strand): 5'-GATCTGGCAACTAAAAAACCTAAAGCAGAATCTACCTGTGTATCATAGAAGTAGCCAGCT[G>T]GAAAGAGCGGTCTAATTGAACGATCTGCCAAAAGAAAAAAAAACACATTAAACCGTACTG-3'
Protein context (NP_149100.2, residues 133-153): IIDRSIRPLF[Pro143Gln]AGYFYDTQVL